The following is an entry in ClinVar:

NM_015338.6(ASXL1):c.1544_1545del (p.Val515fs)

Gene: ASXL1 (ASXL transcriptional regulator 1; plus strand). Cytogenetic location: 20q11.21.
Variant type: Microsatellite.
Coding change: c.1544_1545del on transcript NM_015338.6 (MANE Select); coding-DNA positions 1544 to 1545, 2 bases deleted (TG; older notation c.1544_1545delTG).
Protein change: p.Val515fs; shifts the reading frame from valine 515.
Molecular consequence: frameshift variant.
Genome position (GRCh38, 1-based): chr20:32,433,742-32,433,743, TG deleted; deleting any 2 consecutive bases within chr20:32,433,740-32,433,743 gives the same sequence; the c. name uses the placement nearest the transcript's 3' end. VCF-style (leftmost placement, unchanged base first): chr20-32433739-CTG-C. GRCh37 (hg19) VCF-style: chr20-31021542-CTG-C.
Other names: c.1544_1545delTG (NM_015338.5, NM_015338.6); c.1361_1362del, p.Val454fs (NM_001363734.1); short protein forms V454fs, V515fs.
Identifiers: ClinVar variation 280245 (VCV000280245.9), dbSNP rs777537805, ClinGen allele CA9808376.

ClinVar aggregate classification (germline): Pathogenic. Review status: criteria provided, multiple submitters, no conflicts (2 of 4 stars). 4 submissions from 4 submitters: Pathogenic (4). Last evaluated 2025-01-30.
ClinVar aggregate classification (oncogenicity): Likely oncogenic (1 of 4 stars; one submission).

Conditions:
Bohring-Opitz syndrome. Also called: OPITZ TRIGONOCEPHALY-LIKE SYNDROME; C-LIKE SYNDROME; BOHRING SYNDROME; ASXL1-Related Bohring-Opitz Syndrome. Identifiers: Orphanet 97297, MedGen C0796232, MONDO:0011510, OMIM 605039.
Inborn genetic diseases. Identifiers: MedGen C0950123, MeSH D030342.
Neoplasm. Also called: Neoplasms; Neoplasm (disease); tumor. Identifiers: MedGen C0027651, MeSH D009369, MONDO:0005070, HP:0002664.

Submissions (5):

Center for Genomic Medicine, Rigshospitalet, Copenhagen University Hospital
Classification: Likely oncogenic for Neoplasm. Last evaluated: 2025-12-29. Review status: criteria provided, single submitter. Criteria: ClinGen/CGC/VICC Guidelines for Oncogenicity, 2022. Collection method: clinical testing. Allele origin: somatic. Affected: yes.

Medgenome Labs Ltd
Classification: Pathogenic for Bohring-Opitz syndrome. Last evaluated: 2025-01-30. Review status: criteria provided, single submitter. Criteria: ACMG Guidelines, 2015. Collection method: clinical testing. Allele origin: germline. Affected: yes.

3billion
Classification: Pathogenic for Bohring-Opitz syndrome. Last evaluated: 2022-05-22. Review status: criteria provided, single submitter. Criteria: ACMG Guidelines, 2015. Collection method: clinical testing. Allele origin: germline. Affected: yes. Observed: 1 heterozygote.
Comment: The variant is observed at an extremely low frequency in the gnomAD v2.1.1 dataset (total allele frequency: <0.001%). Frameshift: predicted to result in a loss or disruption of normal protein function through nonsense-mediated decay (NMD) or protein truncation. Multiple pathogenic variants are reported downstream of the variant. The variant has been reported at least twice as pathogenic without evidence for the classification (ClinVar ID: VCV000280245). Therefore, this variant is classified as pathogenic according to the recommendation of ACMG/AMP guideline.

GeneDx
Classification: Pathogenic. Last evaluated: 2018-06-27. Review status: criteria provided, single submitter. Criteria: GeneDx Variant Classification (06012015). Collection method: clinical testing. Allele origin: germline. Affected: yes.
Comment: The c.1544_1545delTG variant in the ASXL1 gene has been reported previously in the de novo state in an individual with epilepsy (Helbig et al., 2016). The c.1544_1545delTG variant causes a frameshift starting with codon Valine 515, changes this amino acid to a Glycine residue, and creates a premature Stop codon at position 13 of the new reading frame, denoted p.Val515GlyfsX13. This variant is predicted to cause loss of normal protein function either through protein truncation or nonsense-mediated mRNA decay. The c.1544_1545delTG variant is not observed in large population cohorts (Lek et al., 2016). We interpret c.1544_1545delTG as a pathogenic variant.

Ambry Genetics
Classification: Pathogenic for Inborn genetic diseases. Last evaluated: 2016-04-19. Review status: criteria provided, single submitter. Criteria: Ambry exome assertion method (8-5-2015). Collection method: clinical testing. Allele origin: germline. Affected: yes. Observed: 1 variant allele.

Literature cited by the submitters: PubMed 26095772 (cited by Center for Genomic Medicine, Rigshospitalet, Copenhagen University Hospital); PubMed 30013160 (cited by Center for Genomic Medicine, Rigshospitalet, Copenhagen University Hospital); PubMed 26795593 (cited by Medgenome Labs Ltd).